The following is an entry in ClinVar:

ClinVar aggregate classification (germline): Uncertain significance. Review status: criteria provided, multiple submitters, no conflicts (2 of 4 stars). 2 submissions from 2 submitters: Uncertain significance (2). Last evaluated 2022-04-01.

Conditions:
Tumoral calcinosis, hyperphosphatemic, familial, 1. Also called: HYPEROSTOSIS WITH HYPERPHOSPHATEMIA; HYPEROSTOSIS-HYPERPHOSPHATEMIA SYNDROME; CORTICAL HYPEROSTOSIS WITH HYPERPHOSPHATEMIA; CALCINOSIS, TUMORAL, WITH HYPERPHOSPHATEMIA; LIPOCALCINOGRANULOMATOSIS; MORBUS TEUTSCHLAENDER. Identifiers: Orphanet 53715, MedGen C4692564, MONDO:0100252, OMIM 211900.

Allele frequency attached by ClinVar (database versions not stated): ExAC 0.00001; gnomAD 0.00001; gnomAD exomes 0.00001; TOPMed 0.00002.
gnomAD v4.1: 5 of 1,614,042 alleles (0.00031%); highest among the groups gnomAD compares: Admixed American, 0.0017%; no homozygotes.

Submissions (2):

Labcorp Genetics (formerly Invitae), Labcorp
Classification: Uncertain significance. Last evaluated: 2022-04-01. Review status: criteria provided, single submitter. Criteria: Invitae Variant Classification Sherloc (09022015). Collection method: clinical testing. Allele origin: germline.
Comment: This sequence change replaces methionine, which is neutral and non-polar, with leucine, which is neutral and non-polar, at codon 56 of the GALNT3 protein (p.Met56Leu). This variant is present in population databases (rs779573886, gnomAD 0.002%). This variant has not been reported in the literature in individuals affected with GALNT3-related conditions. Algorithms developed to predict the effect of missense changes on protein structure and function output the following: SIFT: "Tolerated"; PolyPhen-2: "Benign"; Align-GVGD: "Class C0". The leucine amino acid residue is found in multiple mammalian species, which suggests that this missense change does not adversely affect protein function. In summary, the available evidence is currently insufficient to determine the role of this variant in disease. Therefore, it has been classified as a Variant of Uncertain Significance.

Fulgent Genetics
Classification: Uncertain significance for Tumoral calcinosis, hyperphosphatemic, familial, 1. Last evaluated: 2022-01-26. Review status: criteria provided, single submitter. Criteria: ACMG Guidelines, 2015. Collection method: clinical testing. Allele origin: unknown.

NM_004482.4(GALNT3):c.166A>T (p.Met56Leu)

Gene: GALNT3 (polypeptide N-acetylgalactosaminyltransferase 3; minus strand). Cytogenetic location: 2q24.3.
Variant type: single nucleotide variant.
Coding change: c.166A>T on transcript NM_004482.4 (MANE Select); coding-DNA position 166, A replaced by T.
Protein change: p.Met56Leu; replaces methionine 56 with leucine.
Molecular consequence: missense variant.
Genome position (GRCh38, 1-based): chr2:165,770,535, T>A on the plus strand (A>T on the coding strand, the complement: GALNT3 is on the minus strand). VCF-style: chr2-165770535-T-A. GRCh37 (hg19) VCF-style: chr2-166627045-T-A.
Other names: short protein forms M56L.
Identifiers: ClinVar variation 1435828 (VCV001435828.6), dbSNP rs779573886, ClinGen allele CA1941279.